The following is an entry in ClinVar:

ClinVar aggregate classification (germline): Uncertain significance (1 of 4 stars; one submission).

Conditions:
Autosomal recessive limb-girdle muscular dystrophy type 2E (LGMDR4). Also called: MUSCULAR DYSTROPHY, LIMB-GIRDLE, AUTOSOMAL RECESSIVE 4. Identifiers: Orphanet 119, MedGen C1858593, MONDO:0011423, OMIM 604286. Disease mechanism: Affects gamma-sarcoglycan and also disrupts the integrity of the entire sarcoglycan complex..

Allele frequency attached by ClinVar (database versions not stated): gnomAD exomes below 0.00001.
gnomAD v4.1: 4 of 1,603,204 alleles (0.00025%); highest among the groups gnomAD compares: Non-Finnish European, 0.00026%; no homozygotes.

Submission:

Labcorp Genetics (formerly Invitae), Labcorp
Classification: Uncertain significance for Autosomal recessive limb-girdle muscular dystrophy type 2E. Last evaluated: 2022-07-06. Review status: criteria provided, single submitter. Criteria: Invitae Variant Classification Sherloc (09022015). Collection method: clinical testing. Allele origin: germline.
Comment: This sequence change replaces isoleucine, which is neutral and non-polar, with valine, which is neutral and non-polar, at codon 81 of the SGCB protein (p.Ile81Val). This variant is not present in population databases (gnomAD no frequency). This variant has not been reported in the literature in individuals affected with SGCB-related conditions. ClinVar contains an entry for this variant (Variation ID: 1408373). Algorithms developed to predict the effect of missense changes on protein structure and function (SIFT, PolyPhen-2, Align-GVGD) all suggest that this variant is likely to be tolerated. Algorithms developed to predict the effect of sequence changes on RNA splicing suggest that this variant may create or strengthen a splice site. In summary, the available evidence is currently insufficient to determine the role of this variant in disease. Therefore, it has been classified as a Variant of Uncertain Significance.

NM_000232.5(SGCB):c.241A>G (p.Ile81Val)

Gene: SGCB (sarcoglycan beta; minus strand). Cytogenetic location: 4q12.
Variant type: single nucleotide variant.
Coding change: c.241A>G on transcript NM_000232.5 (MANE Select); coding-DNA position 241, A replaced by G.
Protein change: p.Ile81Val; replaces isoleucine 81 with valine.
Molecular consequence: missense variant.
Genome position (GRCh38, 1-based): chr4:52,033,433, T>C on the plus strand (A>G on the coding strand, the complement: SGCB is on the minus strand). VCF-style: chr4-52033433-T-C. GRCh37 (hg19) VCF-style: chr4-52899599-T-C.
Other names: short protein forms I81V.
Identifiers: ClinVar variation 1408373 (VCV001408373.5), dbSNP rs1560568792, ClinGen allele CA356877776.